The following is an entry in ClinVar:

NM_000059.4(BRCA2):c.4651C>G (p.Gln1551Glu)

Gene: BRCA2 (BRCA2 DNA repair associated; plus strand). Cytogenetic location: 13q13.1.
Variant type: single nucleotide variant.
Coding change: c.4651C>G on transcript NM_000059.4 (MANE Select); coding-DNA position 4651, C replaced by G.
Protein change: p.Gln1551Glu; replaces glutamine 1551 with glutamic acid.
Molecular consequence: missense variant.
Genome position (GRCh38, 1-based): chr13:32,339,006, C>G. VCF-style: chr13-32339006-C-G. GRCh37 (hg19) VCF-style: chr13-32913143-C-G.
Other names: short protein forms Q1551E.
Identifiers: ClinVar variation 857894 (VCV000857894.13), dbSNP rs876661062, ClinGen allele CA387782192.
Genomic context (GRCh38, chr13:32,339,006, plus strand): 5'-AAAGTTAAAATTGCAAAGGAATCTTTGGACAAAGTGAAAAACCTTTTTGATGAAAAAGAG[C>G]AAGGTACTAGTGAAATCACCAGTTTTAGCCATCAATGGGCAAAGACCCTAAAGTACAGAG-3'
Protein context (NP_000050.3, residues 1541-1561): KVKNLFDEKE[Gln1551Glu]GTSEITSFSH

ClinVar aggregate classification (germline): Conflicting classifications of pathogenicity. Review status: criteria provided, conflicting classifications (1 of 4 stars). 3 submissions from 3 submitters: Uncertain significance (1); Likely benign (2). Last evaluated 2024-03-01.

Conditions:
Hereditary cancer-predisposing syndrome. Also called: Tumor predisposition; Hereditary neoplastic syndrome; Neoplastic Syndromes, Hereditary; Hereditary Cancer Syndrome. Identifiers: Orphanet 140162, MedGen C0027672, MeSH D009386, MONDO:0015356.
Hereditary breast ovarian cancer syndrome. Also called: Breast and ovarian cancer; BRCA1- and BRCA2-Associated Hereditary Breast and Ovarian Cancer; Hereditary breast and ovarian cancer; Hereditary breast and ovarian cancer syndrome (HBOC); Hereditary breast and/or ovarian cancer syndrome; Hereditary breast and ovarian cancer syndrome. Identifiers: Orphanet 145, MedGen C0677776, MeSH D061325, MONDO:0003582. Disease mechanism: loss of function.

Allele frequency attached by ClinVar (database versions not stated): gnomAD exomes below 0.00001.
gnomAD v4.1: 2 of 1,613,686 alleles (0.00012%); highest among the groups gnomAD compares: Non-Finnish European, 0.00017%; no homozygotes.

Submissions (3):

Labcorp Genetics (formerly Invitae), Labcorp
Classification: Uncertain significance for Hereditary breast ovarian cancer syndrome. Last evaluated: 2024-03-01. Review status: criteria provided, single submitter. Criteria: Invitae Variant Classification Sherloc (09022015). Collection method: clinical testing. Allele origin: germline.
Comment: This sequence change replaces glutamine, which is neutral and polar, with glutamic acid, which is acidic and polar, at codon 1551 of the BRCA2 protein (p.Gln1551Glu). This variant is present in population databases (no rsID available, gnomAD 0.007%). This variant has not been reported in the literature in individuals affected with BRCA2-related conditions. ClinVar contains an entry for this variant (Variation ID: 857894). Advanced modeling of protein sequence and biophysical properties (such as structural, functional, and spatial information, amino acid conservation, physicochemical variation, residue mobility, and thermodynamic stability) performed at Invitae indicates that this missense variant is not expected to disrupt BRCA2 protein function with a negative predictive value of 95%. In summary, the available evidence is currently insufficient to determine the role of this variant in disease. Therefore, it has been classified as a Variant of Uncertain Significance.

Ambry Genetics
Classification: Likely benign for Hereditary cancer-predisposing syndrome. Last evaluated: 2023-11-27. Review status: criteria provided, single submitter. Criteria: Ambry Variant Classification Scheme 2023. Collection method: clinical testing. Allele origin: germline.

University of Washington Department of Laboratory Medicine, University of Washington
Classification: Likely benign for Hereditary cancer-predisposing syndrome. Last evaluated: 2023-03-23. Review status: criteria provided, single submitter. Criteria: Dines et al. (Genet Med. 2020). Collection method: curation. Allele origin: germline.
Comment: Missense variant in a coldspot region where missense variants are very unlikely to be pathogenic (PMID:31911673).

BRCA2 exon 11 coldspot. Reclassification based on statistical prior probability.